The following is an entry in ClinVar:

ClinVar aggregate classification (germline): Pathogenic (1 of 4 stars; one submission).

Submission:

Labcorp Genetics (formerly Invitae), Labcorp
Classification: Pathogenic. Last evaluated: 2020-08-15. Review status: criteria provided, single submitter. Criteria: Invitae Variant Classification Sherloc (09022015). Collection method: clinical testing. Allele origin: germline.
Comment: This sequence change affects an acceptor splice site in intron 20 of the DLG4 gene. It is expected to disrupt RNA splicing and likely results in an absent or disrupted protein product. This variant is not present in population databases (ExAC no frequency). This variant has been observed in individual(s) with clinical features of DLG4-related conditions (Invitae). In at least one individual the variant was observed to be de novo. Experimental studies and prediction algorithms are not available or were not evaluated, and the effect of this variant on mRNA splicing is currently unknown. Donor and acceptor splice site variants typically lead to a loss of protein function (PMID: 16199547), and loss-of-function variants in DLG4 are known to be pathogenic (PMID: 27479843, 29460436). For these reasons, this variant has been classified as Pathogenic.

Literature cited by the submitters: PubMed 16199547; PubMed 27479843; PubMed 29460436.

NM_001321075.3(DLG4):c.1977-2A>G

Gene: DLG4 (discs large MAGUK scaffold protein 4; minus strand). Cytogenetic location: 17p13.1.
Variant type: single nucleotide variant.
Coding change: c.1977-2A>G on transcript NM_001321075.3 (MANE Select); the canonical splice acceptor site of the intron before coding-DNA position 1977, A replaced by G.
Molecular consequence: splice acceptor variant.
Genome position (GRCh38, 1-based): chr17:7,191,360, T>C on the plus strand (A>G on the coding strand, the complement: DLG4 is on the minus strand). VCF-style: chr17-7191360-T-C. GRCh37 (hg19) VCF-style: chr17-7094679-T-C.
Other names: c.2106-2A>G (NM_001365.5); c.1968-2A>G (NM_001128827.4); c.1896-2A>G (NM_001369566.3); c.1797-2A>G (NM_001321077.3, NM_001321076.3); c.2097-2A>G (NM_001321074.1).
Identifiers: ClinVar variation 1070455 (VCV001070455.9), dbSNP rs2142808860, ClinGen allele CA397714318.